The following is an entry in ClinVar:

NM_001083962.2(TCF4):c.1532C>G (p.Ser511Cys)

Gene: TCF4 (transcription factor 4; minus strand). Cytogenetic location: 18q21.2.
Variant type: single nucleotide variant.
Coding change: c.1532C>G on transcript NM_001083962.2 (MANE Select); coding-DNA position 1532, C replaced by G.
Protein change: p.Ser511Cys; replaces serine 511 with cysteine.
Molecular consequence: missense variant.
Genome position (GRCh38, 1-based): chr18:55,232,626, G>C on the plus strand (C>G on the coding strand, the complement: TCF4 is on the minus strand). VCF-style: chr18-55232626-G-C. GRCh37 (hg19) VCF-style: chr18-52899857-G-C.
Other names: c.1838C>G, p.Ser613Cys (NM_001243226.3); c.1460C>G, p.Ser487Cys (NM_001243227.2, NM_001306207.1, NM_001348217.1 and 5 more transcripts); c.1550C>G, p.Ser517Cys (NM_001243228.2); c.1052C>G, p.Ser351Cys (NM_001243235.2, NM_001243236.2, NM_001243234.2 and 1 more transcripts); c.1406C>G, p.Ser469Cys (NM_001348211.2, NM_001243231.2); c.1142C>G, p.Ser381Cys (NM_001348212.2, NM_001348213.2, NM_001330605.3 and 1 more transcripts); c.1049C>G, p.Ser350Cys (NM_001348214.2); c.1319C>G, p.Ser440Cys (NM_001306208.1, NM_001243232.1); and 6 more; short protein forms S511C, S381C, S487C, S488C, S508C, S440C, S486C, S613C.
Identifiers: ClinVar variation 468950 (VCV000468950.13), dbSNP rs1555718228, ClinGen allele CA402530093.
Genomic context (GRCh38, chr18:55,232,626, plus strand): 5'-TCCTCCGAAGATTTCGTGTCTTGCAGGTTCTCATCACCCTCGTCATCGGATTTGATCTCA[G>C]AGCTGCCAGAGGAGACACTCTGCCCCTGTAGTCCTGGTGGCATGCCTGCCGAAAAAGAGA-3'
Protein context (NP_001077431.1, residues 501-521): LQGQSVSSGS[Ser511Cys]EIKSDDEGDE

ClinVar aggregate classification (germline): Uncertain significance. Review status: criteria provided, multiple submitters, no conflicts (2 of 4 stars). 2 submissions from 2 submitters: Uncertain significance (2). Last evaluated 2025-06-18.

Conditions:
Pitt-Hopkins syndrome (PTHS). Also called: ENCEPHALOPATHY, SEVERE EPILEPTIC, WITH AUTONOMIC DYSFUNCTION; MENTAL RETARDATION, SYNDROMAL, WITH INTERMITTENT HYPERVENTILATION. Identifiers: Orphanet 2896, MedGen C1970431, MONDO:0012589, OMIM 610954.

Submissions (2):

GeneDx
Classification: Uncertain significance. Last evaluated: 2025-06-18. Review status: criteria provided, single submitter. Criteria: GeneDx Variant Classification Process June 2021. Collection method: clinical testing. Allele origin: germline. Affected: yes.
Comment: Not observed at significant frequency in large population cohorts (gnomAD); In silico analysis supports that this missense variant has a deleterious effect on protein structure/function; Has not been previously published as pathogenic or benign to our knowledge

Labcorp Genetics (formerly Invitae), Labcorp
Classification: Uncertain significance for Pitt-Hopkins syndrome. Last evaluated: 2024-11-13. Review status: criteria provided, single submitter. Criteria: Invitae Variant Classification Sherloc (09022015). Collection method: clinical testing. Allele origin: germline.
Comment: This sequence change replaces serine, which is neutral and polar, with cysteine, which is neutral and slightly polar, at codon 511 of the TCF4 protein (p.Ser511Cys). This variant is not present in population databases (gnomAD no frequency). This variant has not been reported in the literature in individuals affected with TCF4-related conditions. ClinVar contains an entry for this variant (Variation ID: 468950). Invitae Evidence Modeling of protein sequence and biophysical properties (such as structural, functional, and spatial information, amino acid conservation, physicochemical variation, residue mobility, and thermodynamic stability) has been performed for this missense variant. However, the output from this modeling did not meet the statistical confidence thresholds required to predict the impact of this variant on TCF4 protein function. In summary, the available evidence is currently insufficient to determine the role of this variant in disease. Therefore, it has been classified as a Variant of Uncertain Significance.